The following is an entry in ClinVar:

NM_000238.4(KCNH2):c.2832G>T (p.Glu944Asp)

Gene: KCNH2 (potassium voltage-gated channel subfamily H member 2; minus strand). Cytogenetic location: 7q36.1.
Variant type: single nucleotide variant.
Coding change: c.2832G>T on transcript NM_000238.4 (MANE Select); coding-DNA position 2832, G replaced by T.
Protein change: p.Glu944Asp; replaces glutamic acid 944 with aspartic acid.
Molecular consequence: missense variant.
Genome position (GRCh38, 1-based): chr7:150,947,739, C>A on the plus strand (G>T on the coding strand, the complement: KCNH2 is on the minus strand). VCF-style: chr7-150947739-C-A. GRCh37 (hg19) VCF-style: chr7-150644827-C-A.
Other names: c.1812G>T, p.Glu604Asp (NM_172057.3); short protein forms E604D, E944D.
Identifiers: ClinVar variation 526953 (VCV000526953.17), dbSNP rs1232364499, ClinGen allele CA369853302.

ClinVar aggregate classification (germline): Uncertain significance. Review status: criteria provided, multiple submitters, no conflicts (2 of 4 stars). 5 submissions from 5 submitters: Uncertain significance (5). Last evaluated 2025-11-05.

Conditions:
Long QT syndrome 2 (LQT2). Identifiers: Orphanet 101016, Orphanet 768, MedGen C3150943, MONDO:0013367, OMIM 613688.
Short QT syndrome type 1. Identifiers: Orphanet 51083, MedGen C1865020, MONDO:0012312, OMIM 609620.
Cardiovascular phenotype. Identifiers: MedGen CN230736.
Cardiac arrhythmia. Also called: Cardiac rhythm disease; Arrhythmia. Identifiers: MedGen C0003811, MONDO:0007263, HP:0011675.
Long QT syndrome (LQTS). Identifiers: MedGen C0023976, MeSH D008133, MONDO:0002442. Disease mechanism: loss of function. Inheritance: Various modes of inheritance.

Allele frequency attached by ClinVar (database versions not stated): gnomAD 0.00001; gnomAD exomes 0.00001; TOPMed 0.00001.
gnomAD v4.1: 3 of 1,554,596 alleles (0.00019%); highest among the groups gnomAD compares: African/African-American, 0.0014%; no homozygotes.

Submissions (5):

Ambry Genetics
Classification: Uncertain significance for Cardiovascular phenotype. Last evaluated: 2025-11-05. Review status: criteria provided, single submitter. Criteria: Ambry Variant Classification Scheme 2023. Collection method: clinical testing. Allele origin: germline.
Comment: The p.E944D variant (also known as c.2832G>T), located in coding exon 12 of the KCNH2 gene, results from a G to T substitution at nucleotide position 2832. The glutamic acid at codon 944 is replaced by aspartic acid, an amino acid with highly similar properties. This variant was reported in individual(s) with features consistent with epilepsy (Li X et al. Ann Hum Genet, 2020 Mar;84:161-168). This amino acid position is well conserved in available vertebrate species. In addition, the in silico prediction for this alteration is inconclusive. Based on the available evidence, the clinical significance of this variant remains unclear.

Color Diagnostics, LLC DBA Color Health
Classification: Uncertain significance for Cardiac arrhythmia. Last evaluated: 2025-07-21. Review status: criteria provided, single submitter. Criteria: ACMG Guidelines, 2015. Collection method: clinical testing. Allele origin: germline.
Comment: This missense variant replaces glutamic acid with aspartic acid at codon 944 of the KCNH2 protein. Computational prediction is inconclusive regarding the impact of this variant on protein structure and function. To our knowledge, functional studies have not been reported for this variant. This variant has been reported in an individual affected with epilepsy (PMID: 31696929). This variant has been identified in 1/153264 chromosomes in the general population by the Genome Aggregation Database (gnomAD). The available evidence is insufficient to determine the role of this variant in disease conclusively. Therefore, this variant is classified as a Variant of Uncertain Significance.

Labcorp Genetics (formerly Invitae), Labcorp
Classification: Uncertain significance for Long QT syndrome. Last evaluated: 2025-06-29. Review status: criteria provided, single submitter. Criteria: Invitae Variant Classification Sherloc (09022015). Collection method: clinical testing. Allele origin: germline.
Comment: This sequence change replaces glutamic acid, which is acidic and polar, with aspartic acid, which is acidic and polar, at codon 944 of the KCNH2 protein (p.Glu944Asp). The frequency data for this variant in the population databases is considered unreliable, as metrics indicate poor data quality at this position in the gnomAD database. This variant has not been reported in the literature in individuals affected with KCNH2-related conditions. ClinVar contains an entry for this variant (Variation ID: 526953). An algorithm developed to predict the effect of missense changes on protein structure and function (PolyPhen-2) suggests that this variant is likely to be disruptive. In summary, the available evidence is currently insufficient to determine the role of this variant in disease. Therefore, it has been classified as a Variant of Uncertain Significance.

Women's Health and Genetics/Laboratory Corporation of America, LabCorp
Classification: Uncertain significance. Last evaluated: 2025-04-07. Review status: criteria provided, single submitter. Criteria: LabCorp Variant Classification Summary - May 2015. Collection method: clinical testing. Allele origin: germline.
Comment: Variant summary: KCNH2 c.2832G>T (p.Glu944Asp) results in a conservative amino acid change in the encoded protein sequence. Four of five in-silico tools predict a benign effect of the variant on protein function. The variant allele was found at a frequency of 6.5e-06 in 153264 control chromosomes (gnomAD). The available data on variant occurrences in the general population are insufficient to allow any conclusion about variant significance. c.2832G>T has been reported in the literature in one individual affected with Epilepsy (Li_2019). The report does not provide unequivocal conclusions about association of the variant with Arrhythmia. To our knowledge, no experimental evidence demonstrating an impact on protein function has been reported. The following publication have been ascertained in the context of this evaluation (PMID: 31696929). ClinVar contains an entry for this variant (Variation ID: 526953). Based on the evidence outlined above, the variant was classified as uncertain significance.

Fulgent Genetics
Classification: Uncertain significance for Short QT syndrome type 1; Long QT syndrome 2. Last evaluated: 2021-10-20. Review status: criteria provided, single submitter. Criteria: ACMG Guidelines, 2015. Collection method: clinical testing. Allele origin: unknown.

Literature cited by the submitters: PubMed 31696929 (cited by 3 submitters).